The following continues an entry in ClinVar:

NM_000059.4(BRCA2):c.4357A>G (p.Lys1453Glu)

Gene: BRCA2. ClinVar aggregate classification (germline): Conflicting classifications of pathogenicity. Uncertain significance (8); Likely benign (4).

Submissions 11 to 13 of 13:

Fulgent Genetics
Classification: Uncertain significance for Familial cancer of breast; Medulloblastoma; Familial prostate cancer; Wilms tumor 1; Fanconi anemia complementation group D1; Breast-ovarian cancer, familial, susceptibility to, 2; Glioma susceptibility 3; Pancreatic cancer, susceptibility to, 2. Last evaluated: 2021-11-11. Review status: criteria provided, single submitter. Criteria: ACMG Guidelines, 2015. Collection method: clinical testing. Allele origin: unknown.

Women's Health and Genetics/Laboratory Corporation of America, LabCorp
Classification: Uncertain significance. Last evaluated: 2021-03-28. Review status: criteria provided, single submitter. Criteria: LabCorp Variant Classification Summary - May 2015. Collection method: clinical testing. Allele origin: germline.
Comment: Variant summary: BRCA2 c.4357A>G (p.Lys1453Glu) results in a conservative amino acid change in the encoded protein sequence. Five of five in-silico tools predict a benign effect of the variant on protein function. The variant allele was found at a frequency of 1.2e-05 in 242606 control chromosomes. The available data on variant occurrences in the general population are insufficient to allow any conclusion about variant significance. To our knowledge, no occurrence of c.4357A>G in individuals affected with Hereditary Breast And Ovarian Cancer Syndrome and no experimental evidence demonstrating its impact on protein function have been reported. Five clinical diagnostic laboratories have submitted clinical-significance assessments for this variant to ClinVar after 2014 without evidence for independent evaluation. All laboratories classified the variant as uncertain significance. Based on the evidence outlined above, the variant was classified as uncertain significance.

Sharing Clinical Reports Project (SCRP)
Classification: Uncertain significance for Breast-ovarian cancer, familial 2. Last evaluated: 2006-12-11. Review status: no assertion criteria provided. Collection method: clinical testing. Allele origin: germline. Not counted in ClinVar's aggregate classification.

Literature cited by the submitters: PubMed 31853058 (cited by Quest Diagnostics Nichols Institute San Juan Capistrano); PubMed 31911673 (cited by Quest Diagnostics Nichols Institute San Juan Capistrano); PubMed 33471991 (cited by 3 submitters).